The following is an entry in ClinVar:

NM_000548.5(TSC2):c.3551C>T (p.Ala1184Val)

Gene: TSC2 (TSC complex subunit 2; plus strand). Cytogenetic location: 16p13.3.
Variant type: single nucleotide variant.
Coding change: c.3551C>T on transcript NM_000548.5 (MANE Select); coding-DNA position 3551, C replaced by T.
Protein change: p.Ala1184Val; replaces alanine 1184 with valine.
Molecular consequence: missense variant.
Genome position (GRCh38, 1-based): chr16:2,080,318, C>T. VCF-style: chr16-2080318-C-T. GRCh37 (hg19) VCF-style: chr16-2130319-C-T.
Other names: c.3551C>T (NM_000548.4); c.3419C>T, p.Ala1140Val (NM_001077183.3, NM_001370404.1); c.3551C>T, p.Ala1184Val (NM_001114382.3); c.3311C>T, p.Ala1104Val (NM_001318827.2); c.3275C>T, p.Ala1092Val (NM_001318829.2); c.2819C>T, p.Ala940Val (NM_001318831.2); c.3452C>T, p.Ala1151Val (NM_001318832.2); c.3422C>T, p.Ala1141Val (NM_001363528.2, NM_001370405.1, NM_021055.3); short protein forms A1184V, A1104V, A1140V, A940V, A1092V, A1141V, A1151V.
Identifiers: ClinVar variation 468021 (VCV000468021.23), dbSNP rs1060500939, ClinGen allele CA394289510.
Genomic context (GRCh38, chr16:2,080,318, plus strand): 5'-CGAAACCTGAGAAGGCCTCAGCTGGCACCCGGGTTCCTGTGCAGGAGAAGACGAACCTGG[C>T]GGCCTATGTGCCCCTGCTGACCCAGGGCTGGGCGGAGATCCTGGTCCGGAGGCCCACAGG-3'
Protein context (NP_000539.2, residues 1174-1194): RVPVQEKTNL[Ala1184Val]AYVPLLTQGW

ClinVar aggregate classification (germline): Conflicting classifications of pathogenicity. Review status: criteria provided, conflicting classifications (1 of 4 stars). 8 submissions from 8 submitters: Uncertain significance (2); Likely benign (6). Last evaluated 2026-01-16.

Conditions:
TSC2-related disorder. Also called: TSC2-Related Disorders; TSC2-related condition.
Isolated focal cortical dysplasia type II (FCORD2). Also called: CORTICAL DYSPLASIA OF TAYLOR; Focal cortical dysplasia type II. Identifiers: Orphanet 268994, MedGen C1846385, MONDO:0011818, OMIM 607341, HP:0032051.
Tuberous sclerosis 2 (TSC2). Identifiers: Orphanet 805, MedGen C1860707, MONDO:0013199, OMIM 613254.
Lymphangiomyomatosis (LAM). Also called: Lymphangioleiomyomatosis; Lymphangioleiomyomatosis, somatic. Identifiers: Orphanet 538, MedGen C0751674, MONDO:0011705, OMIM 606690.
Hereditary cancer-predisposing syndrome. Also called: Tumor predisposition; Hereditary neoplastic syndrome; Neoplastic Syndromes, Hereditary; Hereditary Cancer Syndrome. Identifiers: Orphanet 140162, MedGen C0027672, MeSH D009386, MONDO:0015356.
Tuberous sclerosis syndrome (TSC). Also called: Tuberous Sclerosis Complex; Tuberous sclerosis. Identifiers: Orphanet 805, MedGen C0041341, MONDO:0001734.

Allele frequency attached by ClinVar (database versions not stated): gnomAD exomes 0.00002.
gnomAD v4.1: 18 of 1,612,810 alleles (0.0011%); highest among the groups gnomAD compares: Admixed American, 0.0017%; no homozygotes.

Submissions (8):

Labcorp Genetics (formerly Invitae), Labcorp
Classification: Likely benign for Tuberous sclerosis 2. Last evaluated: 2026-01-16. Review status: criteria provided, single submitter. Criteria: Invitae Variant Classification Sherloc (09022015). Collection method: clinical testing. Allele origin: germline.

PreventionGenetics, part of Exact Sciences
Classification: Likely benign for TSC2-related condition. Last evaluated: 2025-07-31. Review status: criteria provided, single submitter. Criteria: ACMG Guidelines, 2015. Collection method: clinical testing. Allele origin: germline.
Comment: This variant is classified as likely benign based on ACMG/AMP sequence variant interpretation guidelines (Richards et al. 2015 PMID: 25741868, with internal and published modifications).

Color Diagnostics, LLC DBA Color Health
Classification: Likely benign for Tuberous sclerosis syndrome. Last evaluated: 2025-06-24. Review status: criteria provided, single submitter. Criteria: ACMG Guidelines, 2015. Collection method: clinical testing. Allele origin: germline.

St. Jude Molecular Pathology, St. Jude Children's Research Hospital
Classification: Uncertain significance for Tuberous sclerosis 2. Last evaluated: 2022-08-25. Review status: criteria provided, single submitter. Criteria: St. Jude Assertion Criteria 2020. Collection method: clinical testing. Allele origin: germline.
Comment: The TSC2 c.3551C>T (p.Ala1184Val) missense change has a maximum subpopulation frequency of 0.0036% in gnomAD v2.1.1. The in silico tool REVEL is inconclusive about a pathogenic or benign effect of this variant on protein function, and to our knowledge functional studies have not been performed. This variant has been reported in the literature in an individual with convention chordoma (PMID: 34070849). In summary, the evidence currently available is insufficient to determine the clinical significance of this variant. It has therefore been classified as of uncertain significance.

Ambry Genetics
Classification: Likely benign for Hereditary cancer-predisposing syndrome. Last evaluated: 2022-08-10. Review status: criteria provided, single submitter. Criteria: Ambry Variant Classification Scheme 2023. Collection method: clinical testing. Allele origin: germline.

Genome-Nilou Lab
Classification: Likely benign for Tuberous sclerosis 2. Last evaluated: 2021-11-07. Review status: criteria provided, single submitter. Criteria: ACMG Guidelines, 2015. Collection method: clinical testing. Allele origin: germline. Affected: no.

GeneDx
Classification: Likely benign. Last evaluated: 2019-02-13. Review status: criteria provided, single submitter. Criteria: GeneDx Variant Classification Process June 2021. Collection method: clinical testing. Allele origin: germline. Affected: yes.
Comment: See Variant Classification Assertion Criteria.

Fulgent Genetics
Classification: Uncertain significance for Lymphangiomyomatosis; Isolated focal cortical dysplasia type II; Tuberous sclerosis 2. Last evaluated: 2018-10-31. Review status: criteria provided, single submitter. Criteria: ACMG Guidelines, 2015. Collection method: clinical testing. Allele origin: unknown.

Literature cited by the submitters: PubMed 34070849 (cited by Ambry Genetics).